The following is an entry in ClinVar:

ClinVar aggregate classification (germline): Uncertain significance (1 of 4 stars; one submission).

Conditions:
Rafiq syndrome (RAFQS). Identifiers: Orphanet 88616, MedGen C3280127, MONDO:0013624, OMIM 614202.

Submission:

Labcorp Genetics (formerly Invitae), Labcorp
Classification: Uncertain significance for Rafiq syndrome. Last evaluated: 2025-01-13. Review status: criteria provided, single submitter. Criteria: Invitae Variant Classification Sherloc (09022015). Collection method: clinical testing. Allele origin: germline.
Comment: This sequence change replaces lysine, which is basic and polar, with arginine, which is basic and polar, at codon 649 of the MAN1B1 protein (p.Lys649Arg). This variant is not present in population databases (gnomAD no frequency). This variant has not been reported in the literature in individuals affected with MAN1B1-related conditions. ClinVar contains an entry for this variant (Variation ID: 2113457). An algorithm developed to predict the effect of missense changes on protein structure and function outputs the following: PolyPhen-2: "Benign". The arginine amino acid residue is found in multiple mammalian species, which suggests that this missense change does not adversely affect protein function. In summary, the available evidence is currently insufficient to determine the role of this variant in disease. Therefore, it has been classified as a Variant of Uncertain Significance.

NM_016219.5(MAN1B1):c.1946A>G (p.Lys649Arg)

Gene: MAN1B1 (mannosidase alpha class 1B member 1; plus strand). Cytogenetic location: 9q34.3.
Variant type: single nucleotide variant.
Coding change: c.1946A>G on transcript NM_016219.5 (MANE Select); coding-DNA position 1946, A replaced by G.
Protein change: p.Lys649Arg; replaces lysine 649 with arginine.
Molecular consequence: missense variant. On other transcripts: non-coding transcript variant (2).
Genome position (GRCh38, 1-based): chr9:137,108,437, A>G. VCF-style: chr9-137108437-A-G. GRCh37 (hg19) VCF-style: chr9-140002889-A-G.
Other names: c.1838A>G, p.Lys613Arg (NM_007230.1); short protein forms K613R, K649R.
Identifiers: ClinVar variation 2113457 (VCV002113457.4), dbSNP rs1406227986, ClinGen allele CA375709018.